The following is an entry in ClinVar:

NM_000312.4(PROC):c.364T>G (p.Cys122Gly)

Gene: PROC (protein C, inactivator of coagulation factors Va and VIIIa; plus strand). Cytogenetic location: 2q14.3.
Variant type: single nucleotide variant.
Coding change: c.364T>G on transcript NM_000312.4 (MANE Select); coding-DNA position 364, T replaced by G.
Protein change: p.Cys122Gly; replaces cysteine 122 with glycine.
Molecular consequence: missense variant. On other transcripts: synonymous variant (1).
Genome position (GRCh38, 1-based): chr2:127,423,135, T>G. VCF-style: chr2-127423135-T-G. GRCh37 (hg19) VCF-style: chr2-128180711-T-G.
Other names: c.547T>G, p.Cys183Gly (NM_001375602.1); c.427T>G, p.Cys143Gly (NM_001375603.1, NM_001375604.1); c.364T>G, p.Cys122Gly (NM_001375605.1, NM_001375608.1, NM_001375611.1 and 1 more transcripts); c.519T>G, p.Thr173= (NM_001375606.1); c.448T>G, p.Cys150Gly (NM_001375607.1); c.340T>G, p.Cys114Gly (NM_001375609.1); c.358T>G, p.Cys120Gly (NM_001375610.1); short protein forms C143G, C120G, C150G, C114G, C122G, C183G.
Identifiers: ClinVar variation 3004636 (VCV003004636.3), dbSNP rs2468337187, ClinGen allele CA348399126.

ClinVar aggregate classification (germline): Uncertain significance (1 of 4 stars; one submission).

Conditions:
Thrombophilia due to protein C deficiency, autosomal dominant. Also called: PROC DEFICIENCY, AUTOSOMAL DOMINANT; PROTEIN C DEFICIENCY, AUTOSOMAL DOMINANT. Identifiers: Orphanet 745, MedGen C2674321, MONDO:0008316, OMIM 176860. Disease mechanism: loss of function.

gnomAD v4.1: 3 of 1,603,606 alleles (0.00019%); highest among the groups gnomAD compares: Non-Finnish European, 0.00026%; no homozygotes.

Submission:

Labcorp Genetics (formerly Invitae), Labcorp
Classification: Uncertain significance for Thrombophilia due to protein C deficiency, autosomal dominant. Last evaluated: 2023-11-10. Review status: criteria provided, single submitter. Criteria: Invitae Variant Classification Sherloc (09022015). Collection method: clinical testing. Allele origin: germline.
Comment: This sequence change replaces cysteine, which is neutral and slightly polar, with glycine, which is neutral and non-polar, at codon 122 of the PROC protein (p.Cys122Gly). This variant is not present in population databases (gnomAD no frequency). This variant has not been reported in the literature in individuals affected with PROC-related conditions. Advanced modeling of protein sequence and biophysical properties (such as structural, functional, and spatial information, amino acid conservation, physicochemical variation, residue mobility, and thermodynamic stability) performed at Invitae indicates that this missense variant is expected to disrupt PROC protein function with a positive predictive value of 80%. In summary, the available evidence is currently insufficient to determine the role of this variant in disease. Therefore, it has been classified as a Variant of Uncertain Significance.